The following is an entry in ClinVar:

NM_001007553.3(CSDE1):c.812T>A (p.Ile271Asn)

Gene: CSDE1 (cold shock domain containing E1; minus strand). Cytogenetic location: 1p13.2.
Variant type: single nucleotide variant.
Coding change: c.812T>A on transcript NM_001007553.3 (MANE Select); coding-DNA position 812, T replaced by A.
Protein change: p.Ile271Asn; replaces isoleucine 271 with asparagine.
Molecular consequence: missense variant.
Genome position (GRCh38, 1-based): chr1:114,733,757, A>T on the plus strand (T>A on the coding strand, the complement: CSDE1 is on the minus strand). VCF-style: chr1-114733757-A-T. GRCh37 (hg19) VCF-style: chr1-115276378-A-T.
Other names: c.857T>A, p.Ile286Asn (NM_001130523.3); c.950T>A, p.Ile317Asn (NM_001242891.2); c.812T>A, p.Ile271Asn (NM_001242892.2); c.719T>A, p.Ile240Asn (NM_001242893.2, NM_007158.6); short protein forms I240N, I271N, I286N, I317N.
Identifiers: ClinVar variation 2579800 (VCV002579800.1), dbSNP rs749941097, ClinGen allele CA341756978.

ClinVar aggregate classification (germline): Uncertain significance (1 of 4 stars; one submission).

Submission:

GeneDx
Classification: Uncertain significance. Last evaluated: 2023-03-14. Review status: criteria provided, single submitter. Criteria: GeneDx Variant Classification Process June 2021. Collection method: clinical testing. Allele origin: germline. Affected: yes.
Comment: Not observed at significant frequency in large population cohorts (gnomAD); In silico analysis supports that this missense variant has a deleterious effect on protein structure/function; Has not been previously published as pathogenic or benign to our knowledge